The following is an entry in ClinVar:

NM_000057.4(BLM):c.2449C>G (p.Leu817Val)

Gene: BLM (BLM RecQ like helicase; plus strand). Cytogenetic location: 15q26.1.
Variant type: single nucleotide variant.
Coding change: c.2449C>G on transcript NM_000057.4 (MANE Select); coding-DNA position 2449, C replaced by G.
Protein change: p.Leu817Val; replaces leucine 817 with valine.
Molecular consequence: missense variant.
Genome position (GRCh38, 1-based): chr15:90,769,480, C>G. VCF-style: chr15-90769480-C-G. GRCh37 (hg19) VCF-style: chr15-91312710-C-G.
Other names: c.2449C>G, p.Leu817Val (NM_001287246.2, NM_001287247.2); c.1324C>G, p.Leu442Val (NM_001287248.2); short protein forms L442V, L817V.
Identifiers: ClinVar variation 1719464 (VCV001719464.7), dbSNP rs2505456613, ClinGen allele CA393845349.

ClinVar aggregate classification (germline): Uncertain significance. Review status: criteria provided, multiple submitters, no conflicts (2 of 4 stars). 2 submissions from 2 submitters: Uncertain significance (2). Last evaluated 2026-06-09.

Conditions:
Hereditary cancer-predisposing syndrome. Also called: Hereditary Cancer Syndrome; Neoplastic Syndromes, Hereditary; Hereditary neoplastic syndrome; Tumor predisposition. Identifiers: Orphanet 140162, MedGen C0027672, MeSH D009386, MONDO:0015356.
Bloom syndrome (BLM). Also called: Bloom-Torre-Machacek syndrome. Identifiers: Orphanet 125, MedGen C0005859, MONDO:0008876, OMIM 210900.

Submissions (2):

Ambry Genetics
Classification: Uncertain significance for Hereditary cancer-predisposing syndrome. Last evaluated: 2026-06-09. Review status: criteria provided, single submitter. Criteria: Ambry Variant Classification Scheme 2023. Collection method: clinical testing. Allele origin: germline.
Comment: The p.L817V variant (also known as c.2449C>G), located in coding exon 11 of the BLM gene, results from a C to G substitution at nucleotide position 2449. The leucine at codon 817 is replaced by valine, an amino acid with highly similar properties. This amino acid position is conserved. In addition, this alteration is predicted to be tolerated by in silico analysis. Based on the available evidence, the clinical significance of this variant remains unclear.

Labcorp Genetics (formerly Invitae), Labcorp
Classification: Uncertain significance for Bloom syndrome. Last evaluated: 2022-09-14. Review status: criteria provided, single submitter. Criteria: Invitae Variant Classification Sherloc (09022015). Collection method: clinical testing. Allele origin: germline.
Comment: In summary, the available evidence is currently insufficient to determine the role of this variant in disease. Therefore, it has been classified as a Variant of Uncertain Significance. Advanced modeling of protein sequence and biophysical properties (such as structural, functional, and spatial information, amino acid conservation, physicochemical variation, residue mobility, and thermodynamic stability) performed at Invitae indicates that this missense variant is expected to disrupt BLM protein function. This variant has not been reported in the literature in individuals affected with BLM-related conditions. This variant is not present in population databases (gnomAD no frequency). This sequence change replaces leucine, which is neutral and non-polar, with valine, which is neutral and non-polar, at codon 817 of the BLM protein (p.Leu817Val).